The following is an entry in ClinVar:

NM_152753.4(SCUBE3):c.480T>C (p.Asn160=)

Gene: SCUBE3 (signal peptide, CUB domain and EGF like domain containing 3; plus strand). Cytogenetic location: 6p21.31.
Variant type: single nucleotide variant.
Coding change: c.480T>C on transcript NM_152753.4 (MANE Select); coding-DNA position 480, T replaced by C.
Protein change: p.Asn160=; no amino-acid change (asparagine 160 retained).
Molecular consequence: synonymous variant.
Genome position (GRCh38, 1-based): chr6:35,232,860, T>C. VCF-style: chr6-35232860-T-C. GRCh37 (hg19) VCF-style: chr6-35200637-T-C.
Other names: c.477T>C, p.Asn159= (NM_001303136.2).
Identifiers: ClinVar variation 4533414 (VCV004533414.6).

ClinVar aggregate classification (germline): Benign (1 of 4 stars; one submission).

gnomAD v4.1: 3,392 of 1,614,088 alleles (0.21%); highest among the groups gnomAD compares: South Asian, 1%; 16 homozygotes.

Submission:

CeGaT Center for Human Genetics Tuebingen
Classification: Benign. Last evaluated: 2025-11-01. Review status: criteria provided, single submitter. Criteria: CeGaT Center For Human Genetics Tuebingen Variant Classification Criteria Version 2. Collection method: clinical testing. Allele origin: germline. Affected: yes. Observed: 1 variant allele.
Comment: SCUBE3: BP4, BP7, BS1, BS2